The following is an entry in ClinVar:

NM_080680.3(COL11A2):c.2070G>A (p.Pro690=)

Gene: COL11A2 (collagen type XI alpha 2 chain; minus strand). Cytogenetic location: 6p21.32.
Variant type: single nucleotide variant.
Coding change: c.2070G>A on transcript NM_080680.3 (MANE Select); coding-DNA position 2070, G replaced by A.
Protein change: p.Pro690=; no amino-acid change (proline 690 retained).
Molecular consequence: synonymous variant.
Genome position (GRCh38, 1-based): chr6:33,176,992, C>T on the plus strand (G>A on the coding strand, the complement: COL11A2 is on the minus strand). VCF-style: chr6-33176992-C-T. GRCh37 (hg19) VCF-style: chr6-33144769-C-T.
Other names: c.1749G>A, p.Pro583= (NM_080679.3); c.1812G>A, p.Pro604= (NM_080681.3).
Identifiers: ClinVar variation 2198505 (VCV002198505.2), dbSNP rs575638692, ClinGen allele CA137071921.
Genomic context (GRCh38, chr6:33,176,992, plus strand): 5'-GGTCATGCACTGGGGTGGAAGGCCAAGGGGAACTGGATTCGGAAGTGGGGTCCCACTCAC[C>T]GGGGGTCCGTCTGAGCCAGGCATGCCGGGGAGCCCTGGCTTCCCTTGAGGACCCTGCAGG-3'
Protein context (NP_542411.2, residues 680-700): LPGMPGSDGP[Pro690=]GHPGKEGPPG

ClinVar aggregate classification (germline): Uncertain significance (1 of 4 stars; one submission).

Allele frequency attached by ClinVar (database versions not stated): gnomAD 0.00001; 1000 Genomes Project 30x 0.00016; 1000 Genomes Project 0.00020.
gnomAD v4.1: 10 of 1,610,756 alleles (0.00062%); highest among the groups gnomAD compares: East Asian, 0.0022%; no homozygotes.

Submission:

Labcorp Genetics (formerly Invitae), Labcorp
Classification: Uncertain significance. Last evaluated: 2025-09-22. Review status: criteria provided, single submitter. Criteria: Invitae Variant Classification Sherloc (09022015). Collection method: clinical testing. Allele origin: germline.
Comment: This sequence change affects codon 690 of the COL11A2 mRNA. It is a 'silent' change, meaning that it does not change the encoded amino acid sequence of the COL11A2 protein. This variant also falls at the last nucleotide of exon 25, which is part of the consensus splice site for this exon. The frequency data for this variant in the population databases is considered unreliable, as metrics indicate poor data quality at this position in the gnomAD database. This variant has not been reported in the literature in individuals affected with COL11A2-related conditions. ClinVar contains an entry for this variant (Variation ID: 2198505). Variants that disrupt the consensus splice site are a relatively common cause of aberrant splicing (PMID: 17576681, 9536098). Algorithms developed to predict the effect of sequence changes on RNA splicing suggest that this variant is not likely to affect RNA splicing. In summary, the available evidence is currently insufficient to determine the role of this variant in disease. Therefore, it has been classified as a Variant of Uncertain Significance.

Literature cited by the submitters: PubMed 17576681; PubMed 9536098.